The following is an entry in ClinVar:

NM_005445.4(SMC3):c.3563G>T (p.Gly1188Val)

Gene: SMC3 (structural maintenance of chromosomes 3; plus strand). Cytogenetic location: 10q25.2.
Variant type: single nucleotide variant.
Coding change: c.3563G>T on transcript NM_005445.4 (MANE Select); coding-DNA position 3563, G replaced by T.
Protein change: p.Gly1188Val; replaces glycine 1188 with valine.
Molecular consequence: missense variant.
Genome position (GRCh38, 1-based): chr10:110,603,271, G>T. VCF-style: chr10-110603271-G-T. GRCh37 (hg19) VCF-style: chr10-112363029-G-T.
Other names: short protein forms G1188V.
Identifiers: ClinVar variation 695026 (VCV000695026.2), dbSNP rs1590572104, ClinGen allele CA378395561.
Genomic context (GRCh38, chr10:110,603,271, plus strand): 5'-CTCAGTTTATTACAACTACTTTTAGGCCTGAACTGCTTGAGTCAGCTGACAAATTCTATG[G>T]TGTAAAGTTCAGAAATAAGGTAATTTTATTTTACATTGAGTTTAAGTTTGTATTTATTCA-3'
Protein context (NP_005436.1, residues 1178-1198): ELLESADKFY[Gly1188Val]VKFRNKVSHI

ClinVar aggregate classification (germline): Likely pathogenic (1 of 4 stars; one submission).

Conditions:
De Lange syndrome (CDLS). Also called: Cornelia de Lange syndrome; CDL. Identifiers: Orphanet 199, MedGen C0270972, MONDO:0016033.

Submission:

Center of Genomic medicine, Geneva, University Hospital of Geneva
Classification: Likely pathogenic for De Lange syndrome. Last evaluated: 2019-05-22. Review status: criteria provided, single submitter. Criteria: ACMG Guidelines, 2015. Collection method: clinical testing. Allele origin: maternal. Affected: yes. Observed: 3 variant alleles.
Comment: When using only the critera of Richards et al., this variant should be considered as a VUS. However, considering the fact that this variant corresponds perfectly to the clinical phenotype of the patient, as well as the one of her mother and her half-brother, who all harbour this variant, the Genome Board has decided to reclassify it as a class 4 variant.